The following is an entry in ClinVar:

NM_000498.3(CYP11B2):c.554C>T (p.Thr185Ile)

Genes: CYP11B2 (cytochrome P450 family 11 subfamily B member 2; minus strand), LOC106799834 (CYP11B2 recombination region; plus strand). Cytogenetic location: 8q24.3.
Variant type: single nucleotide variant.
Coding change: c.554C>T on transcript NM_000498.3 (MANE Select); coding-DNA position 554, C replaced by T.
Protein change: p.Thr185Ile; replaces threonine 185 with isoleucine.
Molecular consequence: missense variant.
Genome position (GRCh38, 1-based): chr8:142,915,087, G>A on the plus strand (C>T on the coding strand, the complement: CYP11B2 is on the minus strand). VCF-style: chr8-142915087-G-A. GRCh37 (hg19) VCF-style: chr8-143996503-G-A.
Other names: short protein forms T185I.
Identifiers: ClinVar variation 16881 (VCV000016881.57), dbSNP rs121912978, ClinGen allele CA126946.

ClinVar aggregate classification (germline): Pathogenic. Review status: criteria provided, multiple submitters, no conflicts (2 of 4 stars). 12 submissions from 12 submitters: Pathogenic (9). 3 of the submissions do not count toward it. Last evaluated 2026-01-27.

Conditions:
CYP11B2-related disorders.
Corticosterone methyl oxidase type II deficiency.
Corticosterone methyloxidase type 2 deficiency. Also called: 18-OXIDASE DEFICIENCY; ALDOSTERONE DEFICIENCY DUE TO DEFICIENCY OF STEROID 18-OXIDASE; ALDOSTERONE DEFICIENCY II; CMO II DEFICIENCY; STEROID 18-OXIDASE DEFICIENCY. Identifiers: Orphanet 427, MedGen C3463917, MONDO:0012524, OMIM 610600. Disease mechanism: loss of function.
Corticosterone 18-monooxygenase deficiency. Also called: ALDOSTERONE DEFICIENCY DUE TO DEFECT IN STEROID 18-HYDROXYLASE; ALDOSTERONE DEFICIENCY I; CMO I DEFICIENCY; STEROID 18-HYDROXYLASE DEFICIENCY; 18 Hydroxylase deficiency; Aldosterone deficiency due to defect in 18 hydroxylase. Identifiers: Orphanet 427, MedGen C0268293, MONDO:0008751, OMIM 203400. Disease mechanism: loss of function.

Allele frequency attached by ClinVar (database versions not stated): 1000 Genomes Project 30x 0.00031; ExAC 0.00006; TOPMed 0.00004; gnomAD 0.00005 and 0.00004; gnomAD exomes 0.00005; 1000 Genomes Project 0.00020.

Submissions (12):

Labcorp Genetics (formerly Invitae), Labcorp
Classification: Pathogenic. Last evaluated: 2026-01-27. Review status: criteria provided, single submitter. Criteria: Invitae Variant Classification Sherloc (09022015). Collection method: clinical testing. Allele origin: germline.
Comment: This sequence change replaces threonine, which is neutral and polar, with isoleucine, which is neutral and non-polar, at codon 185 of the CYP11B2 protein (p.Thr185Ile). This variant is present in population databases (rs121912978, gnomAD 0.009%). This missense change has been observed in individuals with hypoaldosteronism (PMID: 9625333, 12788848, 22565077, 22931312). ClinVar contains an entry for this variant (Variation ID: 16881). Invitae Evidence Modeling of protein sequence and biophysical properties (such as structural, functional, and spatial information, amino acid conservation, physicochemical variation, residue mobility, and thermodynamic stability) has been performed for this missense variant. However, the output from this modeling did not meet the statistical confidence thresholds required to predict the impact of this variant on CYP11B2 protein function. Experimental studies have shown that this missense change affects CYP11B2 function (PMID: 12788848, 21237269). For these reasons, this variant has been classified as Pathogenic.

Natera, Inc.
Classification: Pathogenic for Corticosterone methyl oxidase type II deficiency. Last evaluated: 2025-11-18. Review status: criteria provided, single submitter. Criteria: Natera Variant Classification Schema (03/2026). Collection method: clinical testing. Allele origin: germline.
Comment: The c.554C>T variant in CYP11B2 is a missense variant predicted to cause substitution of threonine to isoleucine at amino acid 185. This variant is rare in the general population with a frequency below the threshold expected for the associated phenotype(s). This variant has been observed in one or more individuals affected with the associated recessive disease, as either homozygous or compound heterozygous with a second variant (PMID: 25968592). Computational prediction algorithms indicate this variant is likely to affect gene or protein function. Given the available evidence, this variant is classified as Pathogenic.

MVZ Medizinische Genetik Mainz
Classification: Pathogenic for Corticosterone 18-monooxygenase deficiency. Last evaluated: 2024-11-27. Review status: criteria provided, single submitter. Criteria: UK Practice Guidelines For Variant Classification V4 01 2020. Collection method: clinical testing. Allele origin: germline. Inheritance: Autosomal recessive inheritance. Affected: yes. Observed: 1 variant allele.
Comment: ACMG Criteria: PM3_VSTR,PS3_MOD,PM2_SUP; Compound Heterozygote

Blueprint Genetics
Classification: Pathogenic for CYP11B2-related disorders. Last evaluated: 2024-11-26. Review status: criteria provided, single submitter. Criteria: ACMG Guidelines, 2015. Collection method: clinical testing. Allele origin: germline. Affected: yes. Observed: 5 variant alleles.

CeGaT Center for Human Genetics Tuebingen
Classification: Pathogenic. Last evaluated: 2024-04-01. Review status: criteria provided, single submitter. Criteria: CeGaT Center For Human Genetics Tuebingen Variant Classification Criteria Version 2. Collection method: clinical testing. Allele origin: germline. Affected: yes. Observed: 2 variant alleles.
Comment: CYP11B2: PM3:Very Strong, PM2, PP4:Moderate, PS3:Moderate

Fulgent Genetics
Classification: Pathogenic for Corticosterone 18-monooxygenase deficiency; Corticosterone methyloxidase type 2 deficiency. Last evaluated: 2023-12-28. Review status: criteria provided, single submitter. Criteria: ACMG Guidelines, 2015. Collection method: clinical testing. Allele origin: germline.

Clinical Biochemistry Laboratory, Health Services Laboratory
Classification: Pathogenic for Corticosterone methyloxidase type 2 deficiency. Last evaluated: 2023-11-20. Review status: criteria provided, single submitter. Criteria: ACMG Guidelines, 2015. Collection method: clinical testing. Allele origin: germline. Affected: yes.
Comment: ACMG:PS3 PM2 PM3 PP4

3billion
Classification: Pathogenic for Corticosterone methyloxidase type 2 deficiency. Last evaluated: 2022-09-01. Review status: criteria provided, single submitter. Criteria: ACMG Guidelines, 2015. Collection method: clinical testing. Allele origin: germline. Affected: yes. Observed: 1 heterozygote.
Comment: The variant is observed at an extremely low frequency in the gnomAD v2.1.1 dataset (total allele frequency: 0.005%). Functional studies provide strong evidence of the variant having a damaging effect on the gene or gene product (PMID: 12788848 , 21237269). The variant has been reported to be in trans with a pathogenic variant as either compound heterozygous or homozygous in at least 2 similarly affected unrelated individuals (PMID: 12788848 , 22565077 , 22931312 , 9625333). Therefore, this variant is classified as Pathogenic according to the recommendation of ACMG/AMP guideline.

Institute of Medical Genetics and Applied Genomics, University Hospital Tübingen
Classification: Pathogenic. Last evaluated: 2020-10-23. Review status: criteria provided, single submitter. Criteria: ACMG Guidelines, 2015. Collection method: clinical testing. Allele origin: germline. Inheritance: Autosomal recessive inheritance. Affected: yes.

OMIM
Classification: Pathogenic for CORTICOSTERONE METHYLOXIDASE TYPE II DEFICIENCY. Last evaluated: 2003-06-01. Review status: no assertion criteria provided. Collection method: literature only. Allele origin: germline. Not counted in ClinVar's aggregate classification.

Genome Diagnostics Laboratory, University Medical Center Utrecht
Classification: Pathogenic. Review status: no assertion criteria provided. Collection method: clinical testing. Allele origin: germline. Affected: yes. Study: VKGL Data-share Consensus. Not counted in ClinVar's aggregate classification.

Joint Genome Diagnostic Labs from Nijmegen and Maastricht, Radboudumc and MUMC+
Classification: Pathogenic. Review status: no assertion criteria provided. Collection method: clinical testing. Allele origin: germline. Affected: yes. Study: VKGL Data-share Consensus. Not counted in ClinVar's aggregate classification.

Literature cited by the submitters: PubMed 9625333 (cited by 3 submitters); PubMed 12788848 (cited by 3 submitters); PubMed 22565077 (cited by Labcorp Genetics (formerly Invitae), Labcorp and 3billion); PubMed 22931312 (cited by Labcorp Genetics (formerly Invitae), Labcorp and 3billion); PubMed 21237269 (cited by Labcorp Genetics (formerly Invitae), Labcorp and 3billion); PubMed 25968592 (cited by Natera, Inc.); PubMed 2044581 (cited by OMIM).